The following is an entry in ClinVar:

ClinVar aggregate classification (germline): Likely benign (0 of 4 stars; one submission).

Conditions:
NCOR2-related disorder. Also called: NCOR2-related condition.

Allele frequency attached by ClinVar (database versions not stated): 1000 Genomes Project 0.00040; 1000 Genomes Project 30x 0.00062; ESP Exome Variant Server 0.00080; TOPMed 0.00144; gnomAD 0.00146; ExAC 0.00469.
gnomAD v4.1: 2,420 of 1,498,646 alleles (0.16%); highest among the groups gnomAD compares: Non-Finnish European, 0.19%; 3 homozygotes.

Submission:

PreventionGenetics, part of Exact Sciences
Classification: Likely benign for NCOR2-related condition. Last evaluated: 2019-03-08. Review status: no assertion criteria provided. Collection method: clinical testing. Allele origin: germline.
Comment: This variant is classified as likely benign based on ACMG/AMP sequence variant interpretation guidelines (Richards et al. 2015 PMID: 25741868, with internal and published modifications).

NM_006312.6(NCOR2):c.6573C>G (p.Ala2191=)

Gene: NCOR2 (nuclear receptor corepressor 2; minus strand). Cytogenetic location: 12q24.31.
Variant type: single nucleotide variant.
Coding change: c.6573C>G on transcript NM_006312.6 (MANE Select); coding-DNA position 6573, C replaced by G.
Protein change: p.Ala2191=; no amino-acid change (alanine 2191 retained).
Molecular consequence: synonymous variant.
Genome position (GRCh38, 1-based): chr12:124,334,456, G>C on the plus strand (C>G on the coding strand, the complement: NCOR2 is on the minus strand). VCF-style: chr12-124334456-G-C. GRCh37 (hg19) VCF-style: chr12-124819002-G-C.
Other names: c.6543C>G, p.Ala2181= (NM_001077261.4, NM_001206654.2).
Identifiers: ClinVar variation 3033778 (VCV003033778.2), dbSNP rs201853086, ClinGen allele CA6867470.
Genomic context (GRCh38, chr12:124,334,456, plus strand): 5'-GCAAGAGGCACCCCCATCCCTCGCTCACCTCTTGCCCCCTTCGCTGTGGGGGGAGCCACG[G>C]GCCGGGGCACCATGGTCCGGGGGCGGGAGGTAGAGGTCACTGGGTGGGCGGCGGAGGTCC-3'
Protein context (NP_006303.4, residues 2181-2201): YLPPPDHGAP[Ala2191=]RGSPHSEGGK